The following is an entry in ClinVar:

NM_020738.4(KIDINS220):c.4053+2dup

Gene: KIDINS220 (kinase D interacting substrate 220; minus strand). Cytogenetic location: 2p25.1.
Variant type: Duplication.
Coding change: c.4053+2dup on transcript NM_020738.4 (MANE Select); the canonical splice donor site of the intron after coding-DNA position 4053, one base duplicated (T; older notation c.4053+2dupT).
Molecular consequence: splice donor variant.
Genome position (GRCh38, 1-based): chr2:8,733,442, A duplicated on the plus strand (T on the coding strand, the reverse complement: KIDINS220 is on the minus strand). VCF-style (leftmost placement, unchanged base first): chr2-8733441-T-TA. GRCh37 (hg19) VCF-style: chr2-8873571-T-TA.
Other names: c.3882+2dup (NM_001348741.2, NM_001348742.2, NM_001348743.2 and 1 more transcripts); c.3996+2dup (NM_001348738.2, NM_001348732.2); c.3885+2dup (NM_001348739.2, NM_001348740.2, NM_001348734.2); c.3999+2dup (NM_001348731.2); c.4056+2dup (NM_001348729.2); c.3756+2dup (NM_001348736.2).
Identifiers: ClinVar variation 2582975 (VCV002582975.25), dbSNP rs2527424311, ClinGen allele CA2582342354.

ClinVar aggregate classification (germline): Likely pathogenic (1 of 4 stars; one submission).

Submission:

CeGaT Center for Human Genetics Tuebingen
Classification: Likely pathogenic. Last evaluated: 2023-09-01. Review status: criteria provided, single submitter. Criteria: CeGaT Center For Human Genetics Tuebingen Variant Classification Criteria Version 2. Collection method: clinical testing. Allele origin: germline. Affected: yes. Observed: 1 variant allele.
Comment: KIDINS220: PS2, PM2, PP3